The following is an entry in ClinVar:

NM_007052.5(NOX1):c.141+5G>C

Gene: NOX1 (NADPH oxidase 1; minus strand). Cytogenetic location: Xq22.1.
Variant type: single nucleotide variant.
Coding change: c.141+5G>C on transcript NM_007052.5 (MANE Select); 5 bases into the intron after coding-DNA position 141, G replaced by C.
Molecular consequence: intron variant.
Genome position (GRCh38, 1-based): chrX:100,870,714, C>G on the plus strand (G>C on the coding strand, the complement: NOX1 is on the minus strand). VCF-style: chrX-100870714-C-G. GRCh37 (hg19) VCF-style: chrX-100125703-C-G.
Other names: c.141+5G>C (NM_001271815.2, NM_013955.3).
Identifiers: ClinVar variation 3351738 (VCV003351738.1).

ClinVar aggregate classification (germline): Likely benign (0 of 4 stars; one submission).

Conditions:
NOX1-related disorder. Also called: NOX1-related condition.

gnomAD v4.1: 129 of 1,087,119 alleles (0.012%); highest among the groups gnomAD compares: South Asian, 0.23%; 1 homozygote.

Submission:

PreventionGenetics, part of Exact Sciences
Classification: Likely benign for NOX1-related condition. Last evaluated: 2019-07-09. Review status: no assertion criteria provided. Collection method: clinical testing. Allele origin: germline.
Comment: This variant is classified as likely benign based on ACMG/AMP sequence variant interpretation guidelines (Richards et al. 2015 PMID: 25741868, with internal and published modifications).